The following is an entry in ClinVar:

NM_001290043.2(TAP2):c.359G>T (p.Ser120Ile)

Gene: TAP2 (transporter 2, ATP binding cassette subfamily B member; minus strand). Cytogenetic location: 6p21.32.
Variant type: single nucleotide variant.
Coding change: c.359G>T on transcript NM_001290043.2 (MANE Select); coding-DNA position 359, G replaced by T.
Protein change: p.Ser120Ile; replaces serine 120 with isoleucine.
Molecular consequence: missense variant.
Genome position (GRCh38, 1-based): chr6:32,837,875, C>A on the plus strand (G>T on the coding strand, the complement: TAP2 is on the minus strand). VCF-style: chr6-32837875-C-A. GRCh37 (hg19) VCF-style: chr6-32805652-C-A.
Other names: c.359G>T, p.Ser120Ile (NM_000544.3, NM_018833.3); short protein forms S120I.
Identifiers: ClinVar variation 534701 (VCV000534701.8), dbSNP rs932756573, ClinGen allele CA137005035.

ClinVar aggregate classification (germline): Uncertain significance (1 of 4 stars; one submission).

Conditions:
MHC class I deficiency. Identifiers: Orphanet 34592, MedGen C6024714, MONDO:0011476.

Allele frequency attached by ClinVar (database versions not stated): TOPMed 0.00002; gnomAD 0.00002.

Submission:

Labcorp Genetics (formerly Invitae), Labcorp
Classification: Uncertain significance for MHC class I deficiency 1. Last evaluated: 2017-09-03. Review status: criteria provided, single submitter. Criteria: Invitae Variant Classification Sherloc (09022015). Collection method: clinical testing. Allele origin: germline.
Comment: This variant has not been reported in the literature in individuals with TAP2-related disease. Algorithms developed to predict the effect of missense changes on protein structure and function do not agree on the potential impact of this missense change (SIFT: "Deleterious"; PolyPhen-2: "Probably Damaging"; Align-GVGD: "Class C0"). In summary, the available evidence is currently insufficient to determine the role of this variant in disease. Therefore, it has been classified as a Variant of Uncertain Significance. This sequence change replaces serine with isoleucine at codon 120 of the TAP2 protein (p.Ser120Ile). The serine residue is moderately conserved and there is a large physicochemical difference between serine and isoleucine. This variant is not present in population databases (ExAC no frequency).